The following is an entry in ClinVar:

NM_000441.2(SLC26A4):c.1438-2A>G

Gene: SLC26A4 (solute carrier family 26 member 4; plus strand). Cytogenetic location: 7q22.3.
Variant type: single nucleotide variant.
Coding change: c.1438-2A>G on transcript NM_000441.2 (MANE Select); the canonical splice acceptor site of the intron before coding-DNA position 1438, A replaced by G.
Molecular consequence: splice acceptor variant.
Genome position (GRCh38, 1-based): chr7:107,695,931, A>G. VCF-style: chr7-107695931-A-G. GRCh37 (hg19) VCF-style: chr7-107336376-A-G.
Identifiers: ClinVar variation 370721 (VCV000370721.8), dbSNP rs1057516717, ClinGen allele CA16041112.

ClinVar aggregate classification (germline): Likely pathogenic. Review status: criteria provided, single submitter (1 of 4 stars). 2 submissions from 2 submitters: Likely pathogenic (1). 1 of the submissions does not count toward it. Last evaluated 2022-05-14.

Conditions:
Pendred syndrome (PDS). Also called: HYPOTHYROIDISM, CONGENITAL, DUE TO DYSHORMONOGENESIS, 2B; Pendred's syndrome; THYROID DYSHORMONOGENESIS 2B; THYROID HORMONOGENESIS, GENETIC DEFECT IN, 2B; Pendred Syndrome (PDS); DEAFNESS WITH GOITER. Identifiers: Orphanet 705, MedGen C0271829, MONDO:0010134, OMIM 274600.

Allele frequency attached by ClinVar (database versions not stated): gnomAD exomes below 0.00001.
gnomAD v4.1: 1 of 1,517,254 alleles (0.000066%); highest among the groups gnomAD compares: East Asian, 0.0023%; no homozygotes.

Submissions (2):

Labcorp Genetics (formerly Invitae), Labcorp
Classification: Likely pathogenic. Last evaluated: 2022-05-14. Review status: criteria provided, single submitter. Criteria: Invitae Variant Classification Sherloc (09022015). Collection method: clinical testing. Allele origin: germline.
Comment: In summary, the currently available evidence indicates that the variant is pathogenic, but additional data are needed to prove that conclusively. Therefore, this variant has been classified as Likely Pathogenic. Algorithms developed to predict the effect of sequence changes on RNA splicing suggest that this variant may disrupt the consensus splice site. ClinVar contains an entry for this variant (Variation ID: 370721). This variant has not been reported in the literature in individuals affected with SLC26A4-related conditions. This variant is not present in population databases (gnomAD no frequency). This sequence change affects an acceptor splice site in intron 12 of the SLC26A4 gene. It is expected to disrupt RNA splicing. Variants that disrupt the donor or acceptor splice site typically lead to a loss of protein function (PMID: 16199547), and loss-of-function variants in SLC26A4 are known to be pathogenic (PMID: 16283880, 25394566, 26252218, 26445815).

Counsyl
Classification: Likely pathogenic for Pendred syndrome. Last evaluated: 2016-03-29. Review status: no assertion criteria provided. Collection method: clinical testing. Allele origin: unknown. Not counted in ClinVar's aggregate classification.

Literature cited by the submitters: PubMed 16199547 (cited by Labcorp Genetics (formerly Invitae), Labcorp); PubMed 16283880 (cited by Labcorp Genetics (formerly Invitae), Labcorp); PubMed 25394566 (cited by Labcorp Genetics (formerly Invitae), Labcorp); PubMed 26252218 (cited by Labcorp Genetics (formerly Invitae), Labcorp); PubMed 26445815 (cited by Labcorp Genetics (formerly Invitae), Labcorp).